The following is an entry in ClinVar:

ClinVar aggregate classification (germline): Uncertain significance. Review status: criteria provided, multiple submitters, no conflicts (2 of 4 stars). 2 submissions from 2 submitters: Uncertain significance (2). Last evaluated 2024-04-22.

Conditions:
Intellectual developmental disorder, autosomal dominant 50, with behavioral abnormalities. Also called: MENTAL RETARDATION, AUTOSOMAL DOMINANT 50; Intellectual disability, autosomal dominant 50. Identifiers: MedGen C4540470, MONDO:0030916, OMIM 617787.

gnomAD v4.1: 3 of 1,551,046 alleles (0.00019%); highest among the groups gnomAD compares: East Asian, 0.0024%; no homozygotes.

Submissions (2):

Revvity Omics, Revvity
Classification: Uncertain significance for Intellectual developmental disorder, autosomal dominant 50, with behavioral abnormalities. Last evaluated: 2024-04-22. Review status: criteria provided, single submitter. Criteria: ACMG Guidelines, 2015. Collection method: clinical testing. Allele origin: germline.

Labcorp Genetics (formerly Invitae), Labcorp
Classification: Uncertain significance. Last evaluated: 2023-11-28. Review status: criteria provided, single submitter. Criteria: Invitae Variant Classification Sherloc (09022015). Collection method: clinical testing. Allele origin: germline.
Comment: This sequence change replaces arginine, which is basic and polar, with cysteine, which is neutral and slightly polar, at codon 740 of the NAA15 protein (p.Arg740Cys). The frequency data for this variant in the population databases is considered unreliable, as metrics indicate poor data quality at this position in the gnomAD database. This variant has not been reported in the literature in individuals affected with NAA15-related conditions. ClinVar contains an entry for this variant (Variation ID: 2434014). An algorithm developed to predict the effect of missense changes on protein structure and function (PolyPhen-2) suggests that this variant is likely to be tolerated. In summary, the available evidence is currently insufficient to determine the role of this variant in disease. Therefore, it has been classified as a Variant of Uncertain Significance.

NM_057175.5(NAA15):c.2218C>T (p.Arg740Cys)

Gene: NAA15 (N-alpha-acetyltransferase 15, NatA auxiliary subunit; plus strand). Cytogenetic location: 4q31.1.
Variant type: single nucleotide variant.
Coding change: c.2218C>T on transcript NM_057175.5 (MANE Select); coding-DNA position 2218, C replaced by T.
Protein change: p.Arg740Cys; replaces arginine 740 with cysteine.
Molecular consequence: missense variant.
Genome position (GRCh38, 1-based): chr4:139,384,894, C>T. VCF-style: chr4-139384894-C-T. GRCh37 (hg19) VCF-style: chr4-140306048-C-T.
Other names: c.2215C>T, p.Arg739Cys (NM_001410842.1); c.*627C>T (NM_025085.2); short protein forms R739C, R740C.
Identifiers: ClinVar variation 2434014 (VCV002434014.6), dbSNP rs1178625499, ClinGen allele CA358270593.